The following is an entry in ClinVar:

ClinVar aggregate classification (germline): Uncertain significance. Review status: criteria provided, multiple submitters, no conflicts (2 of 4 stars). 2 submissions from 2 submitters: Uncertain significance (2). Last evaluated 2026-01-20.

Conditions:
Hereditary cancer-predisposing syndrome. Also called: Hereditary Cancer Syndrome; Hereditary neoplastic syndrome; Neoplastic Syndromes, Hereditary; Tumor predisposition. Identifiers: Orphanet 140162, MedGen C0027672, MeSH D009386, MONDO:0015356.
Oligodontia-cancer predisposition syndrome. Also called: TOOTH AGENESIS-COLORECTAL CANCER SYNDROME. Identifiers: Orphanet 300576, MedGen C1837750, MONDO:0012075, OMIM 608615. Disease mechanism: loss of function.

Allele frequency attached by ClinVar (database versions not stated): gnomAD exomes below 0.00001; ExAC 0.00001.
gnomAD v4.1: 2 of 1,614,136 alleles (0.00012%); highest among the groups gnomAD compares: Non-Finnish European, 0.00017%; no homozygotes.

Submissions (2):

Labcorp Genetics (formerly Invitae), Labcorp
Classification: Uncertain significance for Oligodontia-cancer predisposition syndrome. Last evaluated: 2026-01-20. Review status: criteria provided, single submitter. Criteria: Invitae Variant Classification Sherloc (09022015). Collection method: clinical testing. Allele origin: germline.
Comment: This sequence change replaces tyrosine, which is neutral and polar, with histidine, which is basic and polar, at codon 196 of the AXIN2 protein (p.Tyr196His). This variant is present in population databases (rs762542140, gnomAD 0.0009%). This variant has not been reported in the literature in individuals affected with AXIN2-related conditions. ClinVar contains an entry for this variant (Variation ID: 1750191). Invitae Evidence Modeling of protein sequence and biophysical properties (such as structural, functional, and spatial information, amino acid conservation, physicochemical variation, residue mobility, and thermodynamic stability) indicates that this missense variant is expected to disrupt AXIN2 protein function with a positive predictive value of 80%. In summary, the available evidence is currently insufficient to determine the role of this variant in disease. Therefore, it has been classified as a Variant of Uncertain Significance.

Ambry Genetics
Classification: Uncertain significance for Hereditary cancer-predisposing syndrome. Last evaluated: 2023-07-05. Review status: criteria provided, single submitter. Criteria: Ambry Variant Classification Scheme 2023. Collection method: clinical testing. Allele origin: germline.
Comment: The p.Y196H variant (also known as c.586T>C), located in coding exon 1 of the AXIN2 gene, results from a T to C substitution at nucleotide position 586. The tyrosine at codon 196 is replaced by histidine, an amino acid with similar properties. This amino acid position is highly conserved in available vertebrate species. In addition, the in silico prediction for this alteration is inconclusive. Since supporting evidence is limited at this time, the clinical significance of this alteration remains unclear.

NM_004655.4(AXIN2):c.586T>C (p.Tyr196His)

Gene: AXIN2 (axin 2; minus strand). Cytogenetic location: 17q24.1.
Variant type: single nucleotide variant.
Coding change: c.586T>C on transcript NM_004655.4 (MANE Select); coding-DNA position 586, T replaced by C.
Protein change: p.Tyr196His; replaces tyrosine 196 with histidine.
Molecular consequence: missense variant.
Genome position (GRCh38, 1-based): chr17:65,558,035, A>G on the plus strand (T>C on the coding strand, the complement: AXIN2 is on the minus strand). VCF-style: chr17-65558035-A-G. GRCh37 (hg19) VCF-style: chr17-63554153-A-G.
Other names: c.586T>C, p.Tyr196His (NM_001363813.1); short protein forms Y196H.
Identifiers: ClinVar variation 1750191 (VCV001750191.8), dbSNP rs762542140, ClinGen allele CA8719027.